The following is an entry in ClinVar:

ClinVar aggregate classification (germline): Pathogenic (1 of 4 stars; one submission).

Submission:

Labcorp Genetics (formerly Invitae), Labcorp
Classification: Pathogenic. Last evaluated: 2024-11-11. Review status: criteria provided, single submitter. Criteria: Invitae Variant Classification Sherloc (09022015). Collection method: clinical testing. Allele origin: germline.
Comment: This sequence change creates a premature translational stop signal (p.Ser446*) in the ATF6 gene. It is expected to result in an absent or disrupted protein product. Loss-of-function variants in ATF6 are known to be pathogenic (PMID: 26029869, 26063662, 26070061). This variant is not present in population databases (gnomAD no frequency). This variant has not been reported in the literature in individuals affected with ATF6-related conditions. ClinVar contains an entry for this variant (Variation ID: 1068673). For these reasons, this variant has been classified as Pathogenic.

Literature cited by the submitters: PubMed 26029869; PubMed 26063662; PubMed 26070061.

NM_007348.4(ATF6):c.1337C>G (p.Ser446Ter)

Gene: ATF6 (activating transcription factor 6; plus strand). Cytogenetic location: 1q23.3.
Variant type: single nucleotide variant.
Coding change: c.1337C>G on transcript NM_007348.4 (MANE Select); coding-DNA position 1337, C replaced by G.
Protein change: p.Ser446Ter; replaces serine 446 with a stop codon.
Molecular consequence: nonsense.
Genome position (GRCh38, 1-based): chr1:161,851,739, C>G. VCF-style: chr1-161851739-C-G. GRCh37 (hg19) VCF-style: chr1-161821529-C-G.
Other names: short protein forms S446*.
Identifiers: ClinVar variation 1068673 (VCV001068673.5), dbSNP rs1557995369, ClinGen allele CA343380549.
Genomic context (GRCh38, chr1:161,851,739, plus strand): 5'-ATTTAAGATACAAGGAAACAAATTTTGTGCATCCATGTTTCAGATATGATCATTCTGTTT[C>G]AAATGACAAAGCCCTGATGGTGCTAACTGAAGAACCATTGCTTTACATTCCTCCACCTCC-3'